The following is an entry in ClinVar:

ClinVar aggregate classification (germline): Conflicting classifications of pathogenicity. Review status: criteria provided, conflicting classifications (1 of 4 stars). 2 submissions from 2 submitters: Likely pathogenic (1); Uncertain significance (1). Last evaluated 2025-03-04.

Allele frequency attached by ClinVar (database versions not stated): TOPMed below 0.00001; gnomAD 0.00001.

Submissions (2):

Center for Genomic Medicine, Rigshospitalet, Copenhagen University Hospital
Classification: Likely pathogenic. Last evaluated: 2025-03-04. Review status: criteria provided, single submitter. Criteria: ACMG Guidelines, 2015. Collection method: clinical testing. Allele origin: germline.

Quest Diagnostics Nichols Institute San Juan Capistrano
Classification: Uncertain significance. Last evaluated: 2024-09-02. Review status: criteria provided, single submitter. Criteria: Quest Diagnostics criteria. Collection method: clinical testing. Allele origin: unknown.
Comment: The VWF c.5312-2_5312-1del variant disrupts a canonical splice site and is predicted to result in the in-frame skipping of exon 31 in the VWF gene. This affects approximately 2% of the total protein and its impact on VWF protein function is currently uncertain. In the published literature, this variant has been reported in a family with Type 1 von Willebrand disease (PMID: 26986123 (2016)). The frequency of this variant in the general population, 0.000032 (1/31402 chromosomes (Genome Aggregation Database)), is uninformative in the assessment of its pathogenicity. Based on the available information, we are unable to determine the clinical significance of this variant.

Literature cited by the submitters: PubMed 27913546 (cited by Center for Genomic Medicine, Rigshospitalet, Copenhagen University Hospital); PubMed 26986123 (cited by Quest Diagnostics Nichols Institute San Juan Capistrano); PubMed 37647632 (cited by Quest Diagnostics Nichols Institute San Juan Capistrano); PubMed 37845247 (cited by Quest Diagnostics Nichols Institute San Juan Capistrano).

NM_000552.5(VWF):c.5312-2_5312-1del

Gene: VWF (von Willebrand factor; minus strand). Cytogenetic location: 12p13.31.
Variant type: Deletion.
Coding change: c.5312-2_5312-1del on transcript NM_000552.5 (MANE Select); the canonical splice acceptor site of the intron before coding-DNA position 5312, 2 bases deleted (AG; older notation c.5312-2_5312-1delAG).
Molecular consequence: splice acceptor variant.
Genome position (GRCh38, 1-based): chr12:6,016,233-6,016,234, CT deleted on the plus strand (AG on the coding strand, the reverse complement: VWF is on the minus strand). VCF-style (leftmost placement, unchanged base first): chr12-6016232-CCT-C. GRCh37 (hg19) VCF-style: chr12-6125398-CCT-C.
Other names: c.5312-2_5312-1delAG (NM_000552.5); c.5312-2_5312-1del (NM_000552.4).
Identifiers: ClinVar variation 2692182 (VCV002692182.3), dbSNP rs1287088175, ClinGen allele CA603099544.